The following is an entry in ClinVar:

NM_001556.3(IKBKB):c.215A>G (p.Asn72Ser)

Gene: IKBKB (inhibitor of nuclear factor kappa B kinase subunit beta; plus strand). Cytogenetic location: 8p11.21.
Variant type: single nucleotide variant.
Coding change: c.215A>G on transcript NM_001556.3 (MANE Select); coding-DNA position 215, A replaced by G.
Protein change: p.Asn72Ser; replaces asparagine 72 with serine.
Molecular consequence: missense variant. On other transcripts: non-coding transcript variant (3).
Genome position (GRCh38, 1-based): chr8:42,290,170, A>G. VCF-style: chr8-42290170-A-G. GRCh37 (hg19) VCF-style: chr8-42147688-A-G.
Other names: c.23A>G, p.Asn8Ser (NM_001190720.3); c.38A>G, p.Asn13Ser (NM_001242778.2); short protein forms N13S, N72S, N8S.
Identifiers: ClinVar variation 1021812 (VCV001021812.5), dbSNP rs771764280, ClinGen allele CA4731607.
Genomic context (GRCh38, chr8:42,290,170, plus strand): 5'-CTGGGCAGGAGCCTGGGTCTGCTCTCATCGGTTTTCCTCCTCCTAGGCTGACCCACCCCA[A>G]TGTGGTGGCTGCCCGAGATGTCCCTGAGGGGATGCAGAACTTGGCGCCCAATGACCTGCC-3'
Protein context (NP_001547.1, residues 62-82): IQIMRRLTHP[Asn72Ser]VVAARDVPEG

ClinVar aggregate classification (germline): Uncertain significance (1 of 4 stars; one submission).

Conditions:
Severe combined immunodeficiency due to IKK2 deficiency. Also called: IMMUNODEFICIENCY 15B; Immunodeficiency 15. Identifiers: Orphanet 397787, MedGen C4747743, MONDO:0014267, OMIM 615592.

Allele frequency attached by ClinVar (database versions not stated): gnomAD exomes below 0.00001; ExAC 0.00001.
gnomAD v4.1: 2 of 1,613,354 alleles (0.00012%); highest among the groups gnomAD compares: East Asian, 0.0022%; no homozygotes.

Submission:

Labcorp Genetics (formerly Invitae), Labcorp
Classification: Uncertain significance for Severe combined immunodeficiency due to IKK2 deficiency. Last evaluated: 2020-08-10. Review status: criteria provided, single submitter. Criteria: Invitae Variant Classification Sherloc (09022015). Collection method: clinical testing. Allele origin: germline.
Comment: Algorithms developed to predict the effect of sequence changes on RNA splicing suggest that this variant may create or strengthen a splice site, but this prediction has not been confirmed by published transcriptional studies. Advanced modeling of protein sequence and biophysical properties (such as structural, functional, and spatial information, amino acid conservation, physicochemical variation, residue mobility, and thermodynamic stability) performed at Invitae indicates that this missense variant is not expected to disrupt IKBKB protein function. This sequence change replaces asparagine with serine at codon 72 of the IKBKB protein (p.Asn72Ser). The asparagine residue is highly conserved and there is a small physicochemical difference between asparagine and serine. This variant is present in population databases (rs771764280, ExAC 0.002%). This variant has not been reported in the literature in individuals with IKBKB-related conditions. In summary, the available evidence is currently insufficient to determine the role of this variant in disease. Therefore, it has been classified as a Variant of Uncertain Significance.